The following is an entry in ClinVar:

NM_012309.5(SHANK2):c.460C>T (p.Gln154Ter)

Gene: SHANK2 (SH3 and multiple ankyrin repeat domains 2; minus strand). Cytogenetic location: 11q13.4.
Variant type: single nucleotide variant.
Coding change: c.460C>T on transcript NM_012309.5 (MANE Select); coding-DNA position 460, C replaced by T.
Protein change: p.Gln154Ter; replaces glutamine 154 with a stop codon.
Molecular consequence: nonsense.
Genome position (GRCh38, 1-based): chr11:71,113,316, G>A on the plus strand (C>T on the coding strand, the complement: SHANK2 is on the minus strand). VCF-style: chr11-71113316-G-A. GRCh37 (hg19) VCF-style: chr11-70824362-G-A.
Other names: c.460C>T (NM_012309.3); short protein forms Q154*.
Identifiers: ClinVar variation 1676476 (VCV001676476.4), dbSNP rs1327654017, ClinGen allele CA381961911.

ClinVar aggregate classification (germline): Conflicting classifications of pathogenicity. Review status: criteria provided, conflicting classifications (1 of 4 stars). 2 submissions from 2 submitters: Likely pathogenic (1); Uncertain significance (1). Last evaluated 2025-03-28.

Conditions:
Autism, susceptibility to, 17. Also called: Autism susceptibility 17. Identifiers: MedGen C3150693, MONDO:0013265, OMIM 613436.

Submissions (2):

GeneDx
Classification: Uncertain significance. Last evaluated: 2025-03-28. Review status: criteria provided, single submitter. Criteria: GeneDx Variant Classification Process June 2021. Collection method: clinical testing. Allele origin: germline. Affected: yes.
Comment: Not observed at significant frequency in large population cohorts (gnomAD); Loss of function variant in a region of the gene where loss-of-function has not been definitively established as a disease mechanism (PMID: 32599522 ); This variant is associated with the following publications: (PMID: 32599522, 33004838, 36475376)

Greenwood Genetic Center Diagnostic Laboratories, Greenwood Genetic Center
Classification: Likely pathogenic for Autism, susceptibility to, 17. Last evaluated: 2022-03-09. Review status: criteria provided, single submitter. Criteria: ACMG Guidelines, 2015. Collection method: clinical testing. Allele origin: germline. Affected: yes.
Comment: PVS1 PM2